The following is an entry in ClinVar:

ClinVar aggregate classification (germline): Uncertain significance (1 of 4 stars; one submission).

Conditions:
Primary ciliary dyskinesia 10. Also called: CILIARY DYSKINESIA, PRIMARY, 10, WITH OR WITHOUT SITUS INVERSUS. Identifiers: Orphanet 244, MedGen C2675867, MONDO:0012918, OMIM 612518.

Submission:

ARUP Laboratories, Molecular Genetics and Genomics, ARUP Laboratories
Classification: Uncertain significance for Primary ciliary dyskinesia 10. Last evaluated: 2025-04-28. Review status: criteria provided, single submitter. Criteria: ARUP Molecular Germline Variant Investigation Process 2024. Collection method: clinical testing. Allele origin: germline.
Comment: The DNAAF2 c.1986_1988del; p.Asn662del variant (rs1263064209), to our knowledge, is not reported in the medical literature or gene specific databases. This variant is only observed on one allele in the Genome Aggregation Database (v2.1.1), indicating it is not a common polymorphism. This variant deletes a single asparagine residue leaving the rest of the protein in-frame. Due to limited information, the clinical significance of this variant is uncertain at this time.

NM_018139.3(DNAAF2):c.1983TAA[1] (p.Asn662del)

Gene: DNAAF2 (dynein axonemal assembly factor 2; minus strand). Cytogenetic location: 14q21.3.
Variant type: Microsatellite.
Coding change: c.1983TAA[1] on transcript NM_018139.3 (MANE Select); one copy of the 3-base unit TAA starting at c.1983; the reference has two copies in a row; one copy, 3 bases deleted.
Protein change: p.Asn662del; deletes asparagine 662.
Molecular consequence: inframe deletion. On other transcripts: intron variant (2).
Genome position (GRCh38, 1-based): chr14:49,628,031-49,628,033, TTA deleted on the plus strand (TAA on the coding strand, the reverse complement: DNAAF2 is on the minus strand); deleting any 3 consecutive bases within chr14:49,628,031-49,628,037 gives the same sequence; the position shown is the placement nearest the transcript's 3' end. VCF-style (leftmost placement, unchanged base first): chr14-49628030-CTTA-C. GRCh37 (hg19) VCF-style: chr14-50094748-CTTA-C.
Other names: c.1864-1985_1864-1983del (NM_001083908.2); c.-204-1985_-204-1983del (NM_001378453.1); short protein forms N662del.
Identifiers: ClinVar variation 4685780 (VCV004685780.1).